The following is an entry in ClinVar:

NM_000051.4(ATM):c.6453A>C (p.Arg2151Ser)

Genes: ATM (ATM serine/threonine kinase; plus strand), C11orf65 (chromosome 11 open reading frame 65; minus strand). Cytogenetic location: 11q22.3.
Variant type: single nucleotide variant.
Coding change: c.6453A>C on transcript NM_000051.4 (MANE Select); coding-DNA position 6453, A replaced by C.
Protein change: p.Arg2151Ser; replaces arginine 2151 with serine.
Molecular consequence: missense variant. On other transcripts: intron variant (2).
Genome position (GRCh38, 1-based): chr11:108,321,301, A>C. VCF-style: chr11-108321301-A-C. GRCh37 (hg19) VCF-style: chr11-108192028-A-C.
Other names: c.6453A>C, p.Arg2151Ser (NM_001351834.2); c.641-12230T>G (NM_001330368.2); c.*39-12230T>G (NM_001351110.2); short protein forms R2151S.
Identifiers: ClinVar variation 2568235 (VCV002568235.2), dbSNP rs2136238380, ClinGen allele CA382553806.

ClinVar aggregate classification (germline): Uncertain significance (1 of 4 stars; one submission).

Conditions:
Hereditary cancer-predisposing syndrome. Also called: Hereditary Cancer Syndrome; Hereditary neoplastic syndrome; Neoplastic Syndromes, Hereditary; Tumor predisposition. Identifiers: Orphanet 140162, MedGen C0027672, MeSH D009386, MONDO:0015356.

Submission:

Ambry Genetics
Classification: Uncertain significance for Hereditary cancer-predisposing syndrome. Last evaluated: 2023-05-23. Review status: criteria provided, single submitter. Criteria: Ambry Variant Classification Scheme 2023. Collection method: clinical testing. Allele origin: germline.
Comment: The p.R2151S variant (also known as c.6453A>C), located in coding exon 44 of the ATM gene, results from a A to C substitution at nucleotide position 6453. This variant impacts the first base pair of coding exon 44. The arginine at codon 2151 is replaced by serine, an amino acid with dissimilar properties. This amino acid position is highly conserved in available vertebrate species. In addition, this alteration is predicted to be deleterious by in silico analysis. Since supporting evidence is limited at this time, the clinical significance of this alteration remains unclear.